The following is an entry in ClinVar:

ClinVar aggregate classification (germline): Uncertain significance (0 of 4 stars; one submission).

Conditions:
KCNQ3-related disorder. Also called: KCNQ3-Related Disorders; KCNQ3-related condition. Identifiers: MedGen CN381530.

Allele frequency attached by ClinVar (database versions not stated): gnomAD exomes below 0.00001.
gnomAD v4.1: 2 of 1,614,188 alleles (0.00012%); highest among the groups gnomAD compares: East Asian, 0.0022%; no homozygotes.

Submission:

PreventionGenetics, part of Exact Sciences
Classification: Uncertain significance for KCNQ3-related condition. Last evaluated: 2023-12-31. Review status: no assertion criteria provided. Collection method: clinical testing. Allele origin: germline.
Comment: The KCNQ3 c.2047A>G variant is predicted to result in the amino acid substitution p.Ile683Val. To our knowledge, this variant has not been reported in the literature. This variant is reported in 0.0054% of alleles in individuals of East Asian descent in gnomAD. At this time, the clinical significance of this variant is uncertain due to the absence of conclusive functional and genetic evidence.

NM_004519.4(KCNQ3):c.2047A>G (p.Ile683Val)

Gene: KCNQ3 (potassium voltage-gated channel subfamily Q member 3; minus strand). Cytogenetic location: 8q24.22.
Variant type: single nucleotide variant.
Coding change: c.2047A>G on transcript NM_004519.4 (MANE Select); coding-DNA position 2047, A replaced by G.
Protein change: p.Ile683Val; replaces isoleucine 683 with valine.
Molecular consequence: missense variant.
Genome position (GRCh38, 1-based): chr8:132,129,834, T>C on the plus strand (A>G on the coding strand, the complement: KCNQ3 is on the minus strand). VCF-style: chr8-132129834-T-C. GRCh37 (hg19) VCF-style: chr8-133142081-T-C.
Other names: c.1687A>G, p.Ile563Val (NM_001204824.2); short protein forms I563V, I683V.
Identifiers: ClinVar variation 3036177 (VCV003036177.2), dbSNP rs1162042366, ClinGen allele CA372217057.